The following is an entry in ClinVar:

NM_001376.5(DYNC1H1):c.4594G>A (p.Ala1532Thr)

Gene: DYNC1H1 (dynein cytoplasmic 1 heavy chain 1; plus strand). Cytogenetic location: 14q32.31.
Variant type: single nucleotide variant.
Coding change: c.4594G>A on transcript NM_001376.5 (MANE Select); coding-DNA position 4594, G replaced by A.
Protein change: p.Ala1532Thr; replaces alanine 1532 with threonine.
Molecular consequence: missense variant.
Genome position (GRCh38, 1-based): chr14:102,002,588, G>A. VCF-style: chr14-102002588-G-A. GRCh37 (hg19) VCF-style: chr14-102468925-G-A.
Other names: short protein forms A1532T.
Identifiers: ClinVar variation 2717888 (VCV002717888.4), dbSNP rs2503733676, ClinGen allele CA391043073.

ClinVar aggregate classification (germline): Uncertain significance. Review status: criteria provided, multiple submitters, no conflicts (2 of 4 stars). 2 submissions from 2 submitters: Uncertain significance (2). Last evaluated 2024-03-26.

Conditions:
Charcot-Marie-Tooth disease axonal type 2O. Also called: CHARCOT-MARIE-TOOTH NEUROPATHY, AXONAL, TYPE 2O; CHARCOT-MARIE-TOOTH DISEASE, AXONAL, AUTOSOMAL DOMINANT, TYPE 2O; Charcot-Marie-Tooth Neuropathy Type 2O; Charcot-Marie-Tooth disease, axonal, type 20. Identifiers: Orphanet 284232, MedGen C3280220, MONDO:0013644, OMIM 614228.

Submissions (2):

Revvity Omics, Revvity
Classification: Uncertain significance. Last evaluated: 2024-03-26. Review status: criteria provided, single submitter. Criteria: ACMG Guidelines, 2015. Collection method: clinical testing. Allele origin: germline.

Labcorp Genetics (formerly Invitae), Labcorp
Classification: Uncertain significance for Charcot-Marie-Tooth disease axonal type 2O. Last evaluated: 2023-06-27. Review status: criteria provided, single submitter. Criteria: Invitae Variant Classification Sherloc (09022015). Collection method: clinical testing. Allele origin: germline.
Comment: This variant has not been reported in the literature in individuals affected with DYNC1H1-related conditions. This variant is not present in population databases (gnomAD no frequency). Advanced modeling of protein sequence and biophysical properties (such as structural, functional, and spatial information, amino acid conservation, physicochemical variation, residue mobility, and thermodynamic stability) performed at Invitae indicates that this missense variant is not expected to disrupt DYNC1H1 protein function. This sequence change replaces alanine, which is neutral and non-polar, with threonine, which is neutral and polar, at codon 1532 of the DYNC1H1 protein (p.Ala1532Thr). In summary, the available evidence is currently insufficient to determine the role of this variant in disease. Therefore, it has been classified as a Variant of Uncertain Significance.